The following is an entry in ClinVar:

ClinVar aggregate classification (germline): Conflicting classifications of pathogenicity. Review status: criteria provided, conflicting classifications (1 of 4 stars). 3 submissions from 3 submitters: Likely pathogenic (1); Uncertain significance (1). 1 of the submissions does not count toward it. Last evaluated 2026-08-05.

Conditions:
Intellectual developmental disorder with speech delay, dysmorphic facies, and t-cell abnormalities. Also called: BCL11B-related BAFopathy. Identifiers: Orphanet 662829, MedGen C4748152, MONDO:0060763, OMIM 618092.
Inborn genetic diseases. Identifiers: MedGen C0950123, MeSH D030342.

gnomAD v4.1: 2 of 1,613,452 alleles (0.00012%); highest among the groups gnomAD compares: Non-Finnish European, 0.000085%; no homozygotes.

Submissions (3):

GeneDx
Classification: Likely pathogenic. Last evaluated: 2026-08-05. Review status: criteria provided, single submitter. Criteria: GeneDx Variant Classification Process June 2021. Collection method: clinical testing. Allele origin: germline.
Comment: Not observed at significant frequency in large population cohorts (gnomAD); In silico analysis supports that this missense variant has a deleterious effect on protein structure/function; Has not been previously published as pathogenic or benign to our knowledge

Ambry Genetics
Classification: Uncertain significance for Inborn genetic diseases. Last evaluated: 2025-07-28. Review status: criteria provided, single submitter. Criteria: Ambry Variant Classification Scheme 2023. Collection method: clinical testing. Allele origin: germline.
Comment: The c.2534C>T (p.T845M) alteration is located in exon 4 (coding exon 4) of the BCL11B gene. This alteration results from a C to T substitution at nucleotide position 2534, causing the threonine (T) at amino acid position 845 to be replaced by a methionine (M). This variant was not reported in population-based cohorts in the Genome Aggregation Database (gnomAD). This amino acid position is highly conserved in available vertebrate species. This missense alteration is located in a region that has a low rate of benign missense variation (Lek, 2016; Firth, 2009). This alteration is predicted to be tolerated by in silico analysis. Based on insufficient or conflicting evidence, the clinical significance of this alteration remains unclear.

Molecular Genetics Laboratory, BC Children's and BC Women's Hospitals
Classification: Uncertain significance for Intellectual developmental disorder with speech delay, dysmorphic facies, and t-cell abnormalities. Last evaluated: 2025-06-03. Review status: no assertion criteria provided. Criteria: ACMG Guidelines, 2015. Collection method: clinical testing. Allele origin: unknown. Affected: yes. Not counted in ClinVar's aggregate classification.

NM_138576.4(BCL11B):c.2534C>T (p.Thr845Met)

Gene: BCL11B (BCL11 transcription factor B; minus strand). Cytogenetic location: 14q32.2.
Variant type: single nucleotide variant.
Coding change: c.2534C>T on transcript NM_138576.4 (MANE Select); coding-DNA position 2534, C replaced by T.
Protein change: p.Thr845Met; replaces threonine 845 with methionine.
Molecular consequence: missense variant.
Genome position (GRCh38, 1-based): chr14:99,174,302, G>A on the plus strand (C>T on the coding strand, the complement: BCL11B is on the minus strand). VCF-style: chr14-99174302-G-A. GRCh37 (hg19) VCF-style: chr14-99640639-G-A.
Other names: c.2534C>T (NM_138576.2); c.2531C>T, p.Thr844Met (NM_001282237.2); c.2318C>T, p.Thr773Met (NM_001282238.2); c.2321C>T, p.Thr774Met (NM_022898.3); short protein forms T773M, T774M, T844M, T845M.
Identifiers: ClinVar variation 3340677 (VCV003340677.4).